The following is an entry in ClinVar:

ClinVar aggregate classification (germline): Uncertain significance. Review status: criteria provided, multiple submitters, no conflicts (2 of 4 stars). 2 submissions from 2 submitters: Uncertain significance (2). Last evaluated 2025-10-05.

Conditions:
Hereditary cancer-predisposing syndrome. Also called: Tumor predisposition; Hereditary neoplastic syndrome; Neoplastic Syndromes, Hereditary; Hereditary Cancer Syndrome. Identifiers: Orphanet 140162, MedGen C0027672, MeSH D009386, MONDO:0015356.
Familial cancer of breast. Also called: Hereditary breast cancer; BREAST CANCER, FAMILIAL; hereditary breast carcinoma. Identifiers: Orphanet 227535, MedGen C0346153, MONDO:0016419, OMIM 114480. Disease mechanism: loss of function.

Allele frequency attached by ClinVar (database versions not stated): TOPMed below 0.00001; gnomAD 0.00001.

Submissions (2):

Color Diagnostics, LLC DBA Color Health
Classification: Uncertain significance for Hereditary cancer-predisposing syndrome. Last evaluated: 2025-10-05. Review status: criteria provided, single submitter. Criteria: ACMG Guidelines, 2015. Collection method: clinical testing. Allele origin: germline.
Comment: This missense variant replaces glutamine with arginine at codon 735 of the BARD1 protein. Computational prediction suggests that this variant may not impact protein structure and function. To our knowledge, functional studies have not been reported for this variant. This variant has not been reported in individuals affected with BARD1-related disorders in the literature. This variant has been identified in 1/152210 chromosomes in the general population by the Genome Aggregation Database (gnomAD). The available evidence is insufficient to determine the role of this variant in disease conclusively. Therefore, this variant is classified as a Variant of Uncertain Significance.

Labcorp Genetics (formerly Invitae), Labcorp
Classification: Uncertain significance for Familial cancer of breast. Last evaluated: 2020-12-30. Review status: criteria provided, single submitter. Criteria: Invitae Variant Classification Sherloc (09022015). Collection method: clinical testing. Allele origin: germline.
Comment: In summary, the available evidence is currently insufficient to determine the role of this variant in disease. Therefore, it has been classified as a Variant of Uncertain Significance. Algorithms developed to predict the effect of missense changes on protein structure and function (SIFT, PolyPhen-2, Align-GVGD) all suggest that this variant is likely to be disruptive, but these predictions have not been confirmed by published functional studies and their clinical significance is uncertain. This variant has not been reported in the literature in individuals with BARD1-related conditions. This variant is not present in population databases (ExAC no frequency). This sequence change replaces glutamine with arginine at codon 735 of the BARD1 protein (p.Gln735Arg). The glutamine residue is highly conserved and there is a small physicochemical difference between glutamine and arginine.

NM_000465.4(BARD1):c.2204A>G (p.Gln735Arg)

Gene: BARD1 (BRCA1 associated RING domain 1; minus strand). Cytogenetic location: 2q35.
Variant type: single nucleotide variant.
Coding change: c.2204A>G on transcript NM_000465.4 (MANE Select); coding-DNA position 2204, A replaced by G.
Protein change: p.Gln735Arg; replaces glutamine 735 with arginine.
Molecular consequence: missense variant. On other transcripts: non-coding transcript variant (3).
Genome position (GRCh38, 1-based): chr2:214,728,806, T>C on the plus strand (A>G on the coding strand, the complement: BARD1 is on the minus strand). VCF-style: chr2-214728806-T-C. GRCh37 (hg19) VCF-style: chr2-215593530-T-C.
Other names: c.2147A>G, p.Gln716Arg (NM_001282543.2); c.851A>G, p.Gln284Arg (NM_001282545.2); c.794A>G, p.Gln265Arg (NM_001282548.2); c.665A>G, p.Gln222Arg (NM_001282549.2); short protein forms Q222R, Q716R, Q284R, Q265R, Q735R.
Identifiers: ClinVar variation 1360472 (VCV001360472.10), dbSNP rs1692206255, ClinGen allele CA350450231.